The following is an entry in ClinVar:

NM_016006.6(ABHD5):c.*4147G>T

Gene: ABHD5 (abhydrolase domain containing 5, lysophosphatidic acid acyltransferase; plus strand). Cytogenetic location: 3p21.33.
Variant type: single nucleotide variant.
Coding change: c.*4147G>T on transcript NM_016006.6 (MANE Select); 4147 bases downstream of the stop codon, G replaced by T.
Molecular consequence: 3 prime UTR variant. On other transcripts: non-coding transcript variant (1), intron variant (1).
Genome position (GRCh38, 1-based): chr3:43,722,679, G>T. VCF-style: chr3-43722679-G-T. GRCh37 (hg19) VCF-style: chr3-43764171-G-T.
Other names: c.*4147G>T (NM_001365649.1); c.*4173G>T (NM_001365650.1); c.29+4118G>T (NM_001355186.2).
Identifiers: ClinVar variation 345284 (VCV000345284.5), dbSNP rs758728, ClinGen allele CA10616513.

ClinVar aggregate classification (germline): Benign (1 of 4 stars; one submission).

Conditions:
Triglyceride storage disease with ichthyosis (CDS). Also called: Dorfman-Chanarin disease; ICHTHYOSIFORM ERYTHRODERMA WITH LEUKOCYTE VACUOLATION; TRIGLYCERIDE STORAGE DISEASE WITH IMPAIRED LONG-CHAIN FATTY ACID OXIDATION; Chanarin-Dorfman Syndrome. Identifiers: Orphanet 98907, MedGen C0268238, MONDO:0010155, OMIM 275630.

Allele frequency attached by ClinVar (database versions not stated): gnomAD 0.05485; TOPMed 0.06879; 1000 Genomes Project 0.10264; 1000 Genomes Project 30x 0.10337.

Submission:

Illumina Laboratory Services, Illumina
Classification: Benign for Triglyceride storage disease with ichthyosis. Last evaluated: 2018-01-13. Review status: criteria provided, single submitter. Criteria: ICSL Variant Classification Criteria 13 December 2019. Collection method: clinical testing. Allele origin: germline.
Comment: This variant was observed in the ICSL laboratory as part of a predisposition screen in an ostensibly healthy population. It had not been previously curated by ICSL or reported in the Human Gene Mutation Database (HGMD: prior to June 1st, 2018), and was therefore a candidate for classification through an automated scoring system. Utilizing variant allele frequency, disease prevalence and penetrance estimates, and inheritance mode, an automated score was calculated to assess if this variant is too frequent to cause the disease. Based on the score and internal cut-off values, a variant classified as benign is not then subjected to further curation. The score for this variant resulted in a classification of benign for this disease.